The following is an entry in ClinVar:

NM_001005242.3(PKP2):c.1924T>C (p.Tyr642His)

Gene: PKP2 (plakophilin 2; minus strand). Cytogenetic location: 12p11.21.
Variant type: single nucleotide variant.
Coding change: c.1924T>C on transcript NM_001005242.3 (MANE Select); coding-DNA position 1924, T replaced by C.
Protein change: p.Tyr642His; replaces tyrosine 642 with histidine.
Molecular consequence: missense variant.
Genome position (GRCh38, 1-based): chr12:32,821,445, A>G on the plus strand (T>C on the coding strand, the complement: PKP2 is on the minus strand). VCF-style: chr12-32821445-A-G. GRCh37 (hg19) VCF-style: chr12-32974379-A-G.
Other names: c.1924T>C, p.Tyr642His (NM_001407155.1, NM_001407161.1); c.1759T>C, p.Tyr587His (NM_001407156.1); c.2056T>C, p.Tyr686His (NM_001407157.1, NM_004572.4); c.1597T>C, p.Tyr533His (NM_001407158.1, NM_001407159.1, NM_001407160.1 and 1 more transcripts); short protein forms Y533H, Y587H, Y642H, Y686H.
Identifiers: ClinVar variation 3069457 (VCV003069457.1), dbSNP rs2541229504, ClinGen allele CA384361822.

ClinVar aggregate classification (germline): Uncertain significance (1 of 4 stars; one submission).

Conditions:
Arrhythmogenic right ventricular cardiomyopathy (ARVD). Also called: Arrhythmogenic right ventricular dysplasia; Cardiomyopathy, ARVC; Arrhythmogenic cardiomyopathy; Arrhythmogenic Right Ventricular Cardiomyopathy (ARVC). Identifiers: Orphanet 247, MedGen C0349788, MeSH D019571, MONDO:0016587. Disease mechanism: loss of function. Inheritance: Various modes of inheritance.

Submission:

All of Us Research Program, National Institutes of Health
Classification: Uncertain significance for Arrhythmogenic right ventricular cardiomyopathy. Last evaluated: 2023-03-04. Review status: criteria provided, single submitter. Criteria: ACMG Guidelines, 2015. Collection method: clinical testing. Allele origin: germline. Inheritance: Autosomal dominant inheritance. Observed: 1 variant allele, 1 heterozygote.
Comment: This study involves interpretation of variants in research participants for the purpose of population health screening. Participant phenotype was not available at the time of variant classification. Additional details can be found in publication PMID: 35346344, PMCID: PMC8962531